The following is an entry in ClinVar:

NM_001271.4(CHD2):c.81A>C (p.Glu27Asp)

Gene: CHD2 (chromodomain helicase DNA binding protein 2; plus strand). Cytogenetic location: 15q26.1.
Variant type: single nucleotide variant.
Coding change: c.81A>C on transcript NM_001271.4 (MANE Select); coding-DNA position 81, A replaced by C.
Protein change: p.Glu27Asp; replaces glutamic acid 27 with aspartic acid.
Molecular consequence: missense variant.
Genome position (GRCh38, 1-based): chr15:92,924,339, A>C. VCF-style: chr15-92924339-A-C. GRCh37 (hg19) VCF-style: chr15-93467569-A-C.
Other names: c.81A>C, p.Glu27Asp (NM_001042572.3); short protein forms E27D.
Identifiers: ClinVar variation 1511668 (VCV001511668.8), dbSNP rs2053017198, ClinGen allele CA393895919.

ClinVar aggregate classification (germline): Uncertain significance (1 of 4 stars; one submission).

Conditions:
Developmental and epileptic encephalopathy 94 (DEE94). Also called: CHD2-Related Neurodevelopmental Disorders; Epileptic encephalopathy, childhood-onset. Identifiers: Orphanet 1942, Orphanet 2382, MedGen C3809278, MONDO:0014150, OMIM 615369.

Submission:

Labcorp Genetics (formerly Invitae), Labcorp
Classification: Uncertain significance for Developmental and epileptic encephalopathy 94. Last evaluated: 2025-01-06. Review status: criteria provided, single submitter. Criteria: Invitae Variant Classification Sherloc (09022015). Collection method: clinical testing. Allele origin: germline.
Comment: This sequence change replaces glutamic acid, which is acidic and polar, with aspartic acid, which is acidic and polar, at codon 27 of the CHD2 protein (p.Glu27Asp). This variant is not present in population databases (gnomAD no frequency). This variant has not been reported in the literature in individuals affected with CHD2-related conditions. ClinVar contains an entry for this variant (Variation ID: 1511668). Invitae Evidence Modeling of protein sequence and biophysical properties (such as structural, functional, and spatial information, amino acid conservation, physicochemical variation, residue mobility, and thermodynamic stability) indicates that this missense variant is not expected to disrupt CHD2 protein function with a negative predictive value of 95%. In summary, the available evidence is currently insufficient to determine the role of this variant in disease. Therefore, it has been classified as a Variant of Uncertain Significance.